The following is an entry in ClinVar:

ClinVar aggregate classification (germline): Uncertain significance. Review status: criteria provided, multiple submitters, no conflicts (2 of 4 stars). 5 submissions from 4 submitters: Uncertain significance (5). Last evaluated 2023-09-27.

Conditions:
Bifunctional peroxisomal enzyme deficiency (DBIF). Also called: PBFE DEFICIENCY; D-bifunctional protein deficiency; DBP DEFICIENCY. Identifiers: Orphanet 300, MedGen C0342870, MONDO:0009855, OMIM 261515. Disease mechanism: loss of function.
Perrault syndrome. Also called: Gonadal dysgenesis with auditory dysfunction, autosomal recessive inheritance. Identifiers: Orphanet 2855, MedGen C0685838, MONDO:0017312.
Perrault syndrome 1 (PRLTS1). Also called: GONADAL DYSGENESIS, XX TYPE, WITH DEAFNESS; OVARIAN DYSGENESIS WITH SENSORINEURAL DEAFNESS. Identifiers: Orphanet 2855, Orphanet 642945, MedGen C4551721, MONDO:0009300, OMIM 233400.

Allele frequency attached by ClinVar (database versions not stated): ExAC 0.00002; gnomAD exomes 0.00002 and 0.00011; gnomAD 0.00003 and 0.00004; TOPMed 0.00004.
gnomAD v4.1: 162 of 1,608,234 alleles (0.01%); highest among the groups gnomAD compares: Non-Finnish European, 0.014%; no homozygotes.

Submissions (5):

GeneDx
Classification: Uncertain significance. Last evaluated: 2023-09-27. Review status: criteria provided, single submitter. Criteria: GeneDx Variant Classification Process June 2021. Collection method: clinical testing. Allele origin: germline. Affected: yes.
Comment: Not observed at significant frequency in large population cohorts (gnomAD); In silico analysis supports that this missense variant has a deleterious effect on protein structure/function; Has not been previously published as pathogenic or benign to our knowledge

Labcorp Genetics (formerly Invitae), Labcorp
Classification: Uncertain significance for Perrault syndrome; Bifunctional peroxisomal enzyme deficiency. Last evaluated: 2021-12-19. Review status: criteria provided, single submitter. Criteria: Invitae Variant Classification Sherloc (09022015). Collection method: clinical testing. Allele origin: germline.
Comment: This sequence change replaces glutamic acid, which is acidic and polar, with glycine, which is neutral and non-polar, at codon 77 of the HSD17B4 protein (p.Glu77Gly). This variant is present in population databases (rs769358132, gnomAD 0.007%). This variant has not been reported in the literature in individuals affected with HSD17B4-related conditions. ClinVar contains an entry for this variant (Variation ID: 594737). Advanced modeling of protein sequence and biophysical properties (such as structural, functional, and spatial information, amino acid conservation, physicochemical variation, residue mobility, and thermodynamic stability) performed at Invitae indicates that this missense variant is expected to disrupt HSD17B4 protein function. In summary, the available evidence is currently insufficient to determine the role of this variant in disease. Therefore, it has been classified as a Variant of Uncertain Significance.

Eurofins Ntd Llc (ga)
Classification: Uncertain significance. Last evaluated: 2017-10-26. Review status: criteria provided, single submitter. Criteria: EGL Classification Definitions 2015. Collection method: clinical testing. Allele origin: germline. Observed: 1 variant allele, 1 heterozygote.

Illumina Laboratory Services, Illumina
Classification: Uncertain significance for Bifunctional peroxisomal enzyme deficiency. Last evaluated: 2017-04-27. Review status: criteria provided, single submitter. Criteria: ICSL Variant Classification Criteria 13 December 2019. Collection method: clinical testing. Allele origin: germline.

Illumina Laboratory Services, Illumina
Classification: Uncertain significance for Perrault syndrome 1. Last evaluated: 2017-04-27. Review status: criteria provided, single submitter. Criteria: ICSL Variant Classification Criteria 13 December 2019. Collection method: clinical testing. Allele origin: germline.

NM_000414.4(HSD17B4):c.230A>G (p.Glu77Gly)

Gene: HSD17B4 (hydroxysteroid 17-beta dehydrogenase 4; plus strand). Cytogenetic location: 5q23.1.
Variant type: single nucleotide variant.
Coding change: c.230A>G on transcript NM_000414.4 (MANE Select); coding-DNA position 230, A replaced by G.
Protein change: p.Glu77Gly; replaces glutamic acid 77 with glycine.
Molecular consequence: missense variant. On other transcripts: 5 prime UTR variant (1).
Genome position (GRCh38, 1-based): chr5:119,474,410, A>G. VCF-style: chr5-119474410-A-G. GRCh37 (hg19) VCF-style: chr5-118810105-A-G.
Other names: c.305A>G, p.Glu102Gly (NM_001199291.3); c.176A>G, p.Glu59Gly (NM_001199292.2); c.158A>G, p.Glu53Gly (NM_001292027.2); c.-182A>G (NM_001292028.2); short protein forms E77G, E59G, E102G, E53G.
Identifiers: ClinVar variation 594737 (VCV000594737.12), dbSNP rs769358132, ClinGen allele CA3381733.